The following is an entry in ClinVar:

ClinVar aggregate classification (germline): Uncertain significance. Review status: criteria provided, multiple submitters, no conflicts (2 of 4 stars). 2 submissions from 2 submitters: Uncertain significance (2). Last evaluated 2020-09-26.

Conditions:
Hereditary breast ovarian cancer syndrome. Also called: Hereditary breast and ovarian cancer; Hereditary breast and ovarian cancer syndrome (HBOC); Breast and ovarian cancer; Hereditary breast and ovarian cancer syndrome; BRCA1- and BRCA2-Associated Hereditary Breast and Ovarian Cancer; Hereditary breast and/or ovarian cancer syndrome. Identifiers: Orphanet 145, MedGen C0677776, MeSH D061325, MONDO:0003582. Disease mechanism: loss of function.

Submissions (2):

Labcorp Genetics (formerly Invitae), Labcorp
Classification: Uncertain significance for Hereditary breast ovarian cancer syndrome. Last evaluated: 2020-09-26. Review status: criteria provided, single submitter. Criteria: Invitae Variant Classification Sherloc (09022015). Collection method: clinical testing. Allele origin: germline.
Comment: In summary, the available evidence is currently insufficient to determine the role of this variant in disease. Therefore, it has been classified as a Variant of Uncertain Significance. Experimental studies and prediction algorithms are not available or were not evaluated, and the functional significance of this variant is currently unknown. This variant has not been reported in the literature in individuals with BRCA2-related conditions. ClinVar contains an entry for this variant (Variation ID: 633135). This variant is not present in population databases (ExAC no frequency). This variant, c.8975_8976insTGATTT, results in the insertion of 2 amino acid(s) to the BRCA2 protein (p.Pro2992_Ser2993insAspLeu), but otherwise preserves the integrity of the reading frame.

Women's Health and Genetics/Laboratory Corporation of America, LabCorp
Classification: Uncertain significance. Last evaluated: 2018-12-24. Review status: criteria provided, single submitter. Criteria: LabCorp Variant Classification Summary - May 2015. Collection method: clinical testing. Allele origin: germline.
Comment: Variant summary: The variant, BRCA2 c.8975_8976insTGATTT (p.Pro2992_Ser2993insAspLeu) results in an in-frame insertion that is predicted to insert the amino acids aspartate and leucine into the encoded protein. The variant was absent in 245590 control chromosomes (gnomAD). The available data on variant occurrences in the general population are insufficient to allow any conclusion about variant significance. To our knowledge, no occurrence of c.8975_8976insTGATTT in individuals affected with Hereditary Breast and Ovarian Cancer and no experimental evidence demonstrating its impact on protein function have been reported. No clinical diagnostic laboratories have submitted clinical-significance assessments for this variant to ClinVar after 2014. Based on the evidence outlined above, the variant was classified as uncertain significance.

NM_000059.4(BRCA2):c.8975_8976insTGATTT (p.Pro2992_Ser2993insAspLeu)

Gene: BRCA2 (BRCA2 DNA repair associated; plus strand). Cytogenetic location: 13q13.1.
Variant type: Insertion.
Coding change: c.8975_8976insTGATTT on transcript NM_000059.4 (MANE Select); coding-DNA positions 8975 to 8976, TGATTT inserted.
Protein change: p.Pro2992_Ser2993insAspLeu.
Molecular consequence: inframe insertion.
Genome position: GRCh38 VCF-style: chr13-32379771-C-CTGATTT. GRCh37 (hg19) VCF-style: chr13-32953908-C-CTGATTT.
Identifiers: ClinVar variation 633135 (VCV000633135.10), dbSNP rs1566253060, ClinGen allele CA913190732.
Genomic context (GRCh38, chr13:32,379,771, plus strand): 5'-ACTTCTTCCATTGCATCTTTCTCATCTTTCTCCAAACAGTTATACTGAGTATTTGGCGTC[C>CTGATTT]ATCATCAGATTTATATTCTCTGTTAACAGAAGGAAAGAGATACAGAATTTATCATCTTGC-3'